The following is an entry in ClinVar:

NM_001349253.2(SCN11A):c.5041C>T (p.His1681Tyr)

Gene: SCN11A (sodium voltage-gated channel alpha subunit 11; minus strand). Cytogenetic location: 3p22.2.
Variant type: single nucleotide variant.
Coding change: c.5041C>T on transcript NM_001349253.2 (MANE Select); coding-DNA position 5041, C replaced by T.
Protein change: p.His1681Tyr; replaces histidine 1681 with tyrosine.
Molecular consequence: missense variant.
Genome position (GRCh38, 1-based): chr3:38,847,029, G>A on the plus strand (C>T on the coding strand, the complement: SCN11A is on the minus strand). VCF-style: chr3-38847029-G-A. GRCh37 (hg19) VCF-style: chr3-38888520-G-A.
Other names: c.5041C>T, p.His1681Tyr (NM_014139.3); short protein forms H1681Y.
Identifiers: ClinVar variation 2009061 (VCV002009061.4), dbSNP rs2470964623, ClinGen allele CA352161577.

ClinVar aggregate classification (germline): Uncertain significance (1 of 4 stars; one submission).

Conditions:
Hereditary sensory and autonomic neuropathy type 7. Also called: Neuropathy, hereditary sensory and autonomic, type VII; HSAN VII. Identifiers: Orphanet 391397, MedGen C3809882, MONDO:0014244, OMIM 615548.
Familial episodic pain syndrome with predominantly lower limb involvement. Also called: Episodic pain syndrome, familial, 3. Identifiers: Orphanet 391384, Orphanet 391392, MedGen C3809899, MONDO:0014247, OMIM 615552.

Allele frequency attached by ClinVar (database versions not stated): gnomAD exomes below 0.00001.
gnomAD v4.1: 1 of 1,614,012 alleles (0.000062%); highest among the groups gnomAD compares: East Asian, 0.0022%; no homozygotes.

Submission:

Labcorp Genetics (formerly Invitae), Labcorp
Classification: Uncertain significance for Familial episodic pain syndrome with predominantly lower limb involvement; Hereditary sensory and autonomic neuropathy type 7. Last evaluated: 2022-06-22. Review status: criteria provided, single submitter. Criteria: Invitae Variant Classification Sherloc (09022015). Collection method: clinical testing. Allele origin: germline.
Comment: In summary, the available evidence is currently insufficient to determine the role of this variant in disease. Therefore, it has been classified as a Variant of Uncertain Significance. Algorithms developed to predict the effect of missense changes on protein structure and function (SIFT, PolyPhen-2, Align-GVGD) all suggest that this variant is likely to be disruptive. This variant has not been reported in the literature in individuals affected with SCN11A-related conditions. This variant is not present in population databases (gnomAD no frequency). This sequence change replaces histidine, which is basic and polar, with tyrosine, which is neutral and polar, at codon 1681 of the SCN11A protein (p.His1681Tyr).